The following is an entry in ClinVar:

NM_000152.5(GAA):c.1830C>T (p.Ala610=)

Gene: GAA (alpha glucosidase; plus strand). Cytogenetic location: 17q25.3.
Variant type: single nucleotide variant.
Coding change: c.1830C>T on transcript NM_000152.5 (MANE Select); coding-DNA position 1830, C replaced by T.
Protein change: p.Ala610=; no amino-acid change (alanine 610 retained).
Molecular consequence: synonymous variant.
Genome position (GRCh38, 1-based): chr17:80,112,653, C>T. VCF-style: chr17-80112653-C-T. GRCh37 (hg19) VCF-style: chr17-78086452-C-T.
Other names: p.Ala610=; c.1830C>T (LRG_673t1); c.1830C>T, p.Ala610= (NM_001079803.3, NM_001079804.3).
Identifiers: ClinVar variation 255356 (VCV000255356.78), dbSNP rs61736896, ClinGen allele CA8815493.

ClinVar aggregate classification (germline): Benign/Likely benign. Review status: criteria provided, multiple submitters, no conflicts (2 of 4 stars). 13 submissions from 13 submitters: Benign (1); Likely benign (10). 2 of the submissions do not count toward it. Last evaluated 2026-07-01.

Conditions:
Cardiovascular phenotype. Identifiers: MedGen CN230736.
Glycogen storage disease, type II (IOPD). Also called: POMPE DISEASE, INFANTILE-ONSET; GLYCOGEN STORAGE DISEASE II, INFANTILE-ONSET; ACID ALPHA-GLUCOSIDASE DEFICIENCY, INFANTILE-ONSET; GAA DEFICIENCY, INFANTILE-ONSET; ACID MALTASE DEFICIENCY, INFANTILE-ONSET; Glucosidase acid-1,4-alpha deficiency. Identifiers: Orphanet 365, MedGen C0017921, MONDO:0009290, OMIM 232300.

Allele frequency attached by ClinVar (database versions not stated): 1000 Genomes Project 30x 0.00047; 1000 Genomes Project 0.00060; TOPMed 0.00076; ESP Exome Variant Server 0.00077; gnomAD 0.00115 and 0.00118; gnomAD exomes 0.00132; ExAC 0.00151.
gnomAD v4.1: 1,588 of 1,612,782 alleles (0.098%); highest among the groups gnomAD compares: Non-Finnish European, 0.1%; 8 homozygotes.

Submissions (13):

Genomenon, Inc
Classification: Likely benign for Glycogen storage disease, type II. Last evaluated: 2026-07-01. Review status: criteria provided, single submitter. Criteria: Genomenon Sequence Variant Interpretation Standards - Updated. Collection method: curation. Allele origin: germline. Affected: no.
Comment: GAA c.1830C>T is a synonymous variant that retains Alanine at codon 610. This variant has been reported in the published literature (PMID:17915575;29149851;24976573). This variant is not predicted to impact splicing. In conclusion, we classify GAA c.1830C>T (p.Ala610=) as a likely benign variant.

CeGaT Center for Human Genetics Tuebingen
Classification: Likely benign. Last evaluated: 2026-03-01. Review status: criteria provided, single submitter. Criteria: CeGaT Center For Human Genetics Tuebingen Variant Classification Criteria Version 2. Collection method: clinical testing. Allele origin: germline. Affected: yes. Observed: 35 variant alleles.
Comment: GAA: BP4, BP7

Labcorp Genetics (formerly Invitae), Labcorp
Classification: Benign for Glycogen storage disease, type II. Last evaluated: 2026-02-03. Review status: criteria provided, single submitter. Criteria: Invitae Variant Classification Sherloc (09022015). Collection method: clinical testing. Allele origin: germline.

Mayo Clinic Laboratories, Mayo Clinic
Classification: Likely benign. Last evaluated: 2025-03-21. Review status: criteria provided, single submitter. Criteria: ACMG Guidelines, 2015. Collection method: clinical testing. Allele origin: germline. Observed: 6 variant alleles.

Blueprint Genetics
Classification: Likely benign. Last evaluated: 2024-11-27. Review status: criteria provided, single submitter. Criteria: ACMG Guidelines, 2015. Collection method: clinical testing. Allele origin: germline.

ARUP Laboratories, Molecular Genetics and Genomics, ARUP Laboratories
Classification: Likely benign for Glycogen storage disease, type II. Last evaluated: 2024-11-14. Review status: criteria provided, single submitter. Criteria: ARUP Molecular Germline Variant Investigation Process 2024. Collection method: clinical testing. Allele origin: germline.

Ambry Genetics
Classification: Likely benign for Cardiovascular phenotype. Last evaluated: 2022-03-04. Review status: criteria provided, single submitter. Criteria: Ambry Variant Classification Scheme 2023. Collection method: clinical testing. Allele origin: germline.

Genome-Nilou Lab
Classification: Likely benign for Glycogen storage disease, type II. Last evaluated: 2021-07-22. Review status: criteria provided, single submitter. Criteria: ACMG Guidelines, 2015. Collection method: clinical testing. Allele origin: germline. Affected: no.

GeneDx
Classification: Likely benign. Last evaluated: 2018-02-16. Review status: criteria provided, single submitter. Criteria: GeneDx Variant Classification (06012015). Collection method: clinical testing. Allele origin: germline. Affected: yes.
Comment: This variant is considered likely benign or benign based on one or more of the following criteria: it is a conservative change, it occurs at a poorly conserved position in the protein, it is predicted to be benign by multiple in silico algorithms, and/or has population frequency not consistent with disease.

Eurofins Ntd Llc (ga)
Classification: Likely benign. Last evaluated: 2016-10-19. Review status: criteria provided, single submitter. Criteria: EGL Classification Definitions 2015. Collection method: clinical testing. Allele origin: germline. Observed: 11 variant alleles, 11 heterozygotes.

PreventionGenetics, part of Exact Sciences
Classification: Likely benign. Review status: criteria provided, single submitter. Criteria: ACMG Guidelines, 2015. Collection method: clinical testing. Allele origin: germline.

Clinical Genetics DNA and cytogenetics Diagnostics Lab, Erasmus MC, Erasmus Medical Center
Classification: Benign. Review status: no assertion criteria provided. Collection method: clinical testing. Allele origin: germline. Affected: yes. Study: VKGL Data-share Consensus. Not counted in ClinVar's aggregate classification.

Laboratory of Diagnostic Genome Analysis, Leiden University Medical Center (LUMC)
Classification: Likely benign. Review status: no assertion criteria provided. Collection method: clinical testing. Allele origin: germline. Affected: yes. Study: VKGL Data-share Consensus. Not counted in ClinVar's aggregate classification.

Literature cited by the submitters: PubMed 17915575 (cited by Genomenon, Inc); PubMed 29149851 (cited by Genomenon, Inc); PubMed 24976573 (cited by Genomenon, Inc); PubMed 16917947 (cited by Mayo Clinic Laboratories, Mayo Clinic).